The following is an entry in ClinVar:

NM_001040142.2(SCN2A):c.3104C>G (p.Ala1035Gly)

Gene: SCN2A (sodium voltage-gated channel alpha subunit 2; plus strand). Cytogenetic location: 2q24.3.
Variant type: single nucleotide variant.
Coding change: c.3104C>G on transcript NM_001040142.2 (MANE Select); coding-DNA position 3104, C replaced by G.
Protein change: p.Ala1035Gly; replaces alanine 1035 with glycine.
Molecular consequence: missense variant.
Genome position (GRCh38, 1-based): chr2:165,354,376, C>G. VCF-style: chr2-165354376-C-G. GRCh37 (hg19) VCF-style: chr2-166210886-C-G.
Other names: c.3104C>G, p.Ala1035Gly (NM_001040143.2, NM_001371246.1, NM_001371247.1 and 1 more transcripts); c.3104C>G (NM_021007.2); short protein forms A1035G.
Identifiers: ClinVar variation 1010082 (VCV001010082.10), dbSNP rs766061576, ClinGen allele CA1940057.
Genomic context (GRCh38, chr2:165,354,376, plus strand): 5'-ATTTTGTTAAAAGAAAAATACGTGAATTTATTCAGAAAGCCTTTGTTAGGAAGCAGAAAG[C>G]TTTAGATGAAATTAAACCGCTTGAAGATCTAAATAATAAAAAAGACAGCTGTATTTCCAA-3'
Protein context (NP_001035232.1, residues 1025-1045): IQKAFVRKQK[Ala1035Gly]LDEIKPLEDL

ClinVar aggregate classification (germline): Uncertain significance. Review status: criteria provided, multiple submitters, no conflicts (2 of 4 stars). 2 submissions from 2 submitters: Uncertain significance (2). Last evaluated 2024-03-11.

Conditions:
Developmental and epileptic encephalopathy, 11 (DEE11). Also called: Early infantile epileptic encephalopathy 11. Identifiers: Orphanet 1934, MedGen C3150987, MONDO:0013388, OMIM 613721.
Seizures, benign familial infantile, 3 (BFIS3). Also called: CONVULSIONS, BENIGN FAMILIAL INFANTILE, 3; Familial neonatal seizures. Identifiers: Orphanet 140927, Orphanet 306, MedGen C1843140, MONDO:0011904, OMIM 607745.

Allele frequency attached by ClinVar (database versions not stated): gnomAD exomes below 0.00001; ExAC 0.00001.

Submissions (2):

GeneDx
Classification: Uncertain significance. Last evaluated: 2024-03-11. Review status: criteria provided, single submitter. Criteria: GeneDx Variant Classification Process June 2021. Collection method: clinical testing. Allele origin: germline. Affected: yes.
Comment: Not observed at significant frequency in large population cohorts (gnomAD); In silico analysis supports that this missense variant does not alter protein structure/function; Has not been previously published as pathogenic or benign to our knowledge; This substitution is predicted to be in the cytoplasmic loop between the second and third homologous domain.

Labcorp Genetics (formerly Invitae), Labcorp
Classification: Uncertain significance for Seizures, benign familial infantile, 3; Developmental and epileptic encephalopathy, 11. Last evaluated: 2024-02-26. Review status: criteria provided, single submitter. Criteria: Invitae Variant Classification Sherloc (09022015). Collection method: clinical testing. Allele origin: germline.
Comment: This sequence change replaces alanine, which is neutral and non-polar, with glycine, which is neutral and non-polar, at codon 1035 of the SCN2A protein (p.Ala1035Gly). This variant is present in population databases (rs766061576, gnomAD 0.006%). This variant has not been reported in the literature in individuals affected with SCN2A-related conditions. ClinVar contains an entry for this variant (Variation ID: 1010082). Advanced modeling of protein sequence and biophysical properties (such as structural, functional, and spatial information, amino acid conservation, physicochemical variation, residue mobility, and thermodynamic stability) performed at Invitae indicates that this missense variant is not expected to disrupt SCN2A protein function with a negative predictive value of 95%. In summary, the available evidence is currently insufficient to determine the role of this variant in disease. Therefore, it has been classified as a Variant of Uncertain Significance.